The following is an entry in ClinVar:

NM_025132.4(WDR19):c.1537C>A (p.His513Asn)

Gene: WDR19 (WD repeat domain 19; plus strand). Cytogenetic location: 4p14.
Variant type: single nucleotide variant.
Coding change: c.1537C>A on transcript NM_025132.4 (MANE Select); coding-DNA position 1537, C replaced by A.
Protein change: p.His513Asn; replaces histidine 513 with asparagine.
Molecular consequence: missense variant.
Genome position (GRCh38, 1-based): chr4:39,224,941, C>A. VCF-style: chr4-39224941-C-A. GRCh37 (hg19) VCF-style: chr4-39226561-C-A.
Other names: c.1057C>A, p.His353Asn (NM_001317924.2); short protein forms H353N, H513N.
Identifiers: ClinVar variation 1507756 (VCV001507756.4), dbSNP rs2109349795, ClinGen allele CA356632044.
Genomic context (GRCh38, chr4:39,224,941, plus strand): 5'-TAGACTGGTGTCGTTCAGTATTTCTACATTGAAGACTGGCAATTCGTTAATGATTATCGA[C>A]ATCCTGTCAGTGTGAAAAAGATTTTTCCCGACCCAAATGGGACCAGATTAGTTTTCATTG-3'
Protein context (NP_079408.3, residues 503-523): EDWQFVNDYR[His513Asn]PVSVKKIFPD

ClinVar aggregate classification (germline): Uncertain significance. Review status: criteria provided, multiple submitters, no conflicts (2 of 4 stars). 2 submissions from 2 submitters: Uncertain significance (2). Last evaluated 2021-12-14.

Conditions:
Asphyxiating thoracic dystrophy 5 (SRTD5). Also called: SHORT-RIB THORACIC DYSPLASIA 5 WITH OR WITHOUT POLYDACTYLY; SHORT-RIB THORACIC DYSPLASIA 5 WITHOUT POLYDACTYLY. Identifiers: Orphanet 474, MedGen C3280598, MONDO:0013717, OMIM 614376.
Senior-Loken syndrome 8 (SLSN8). Identifiers: Orphanet 3156, MedGen C4225376, MONDO:0014579, OMIM 616307.

Allele frequency attached by ClinVar (database versions not stated): gnomAD exomes below 0.00001.

Submissions (2):

Labcorp Genetics (formerly Invitae), Labcorp
Classification: Uncertain significance for Senior-Loken syndrome 8; Asphyxiating thoracic dystrophy 5. Last evaluated: 2021-12-14. Review status: criteria provided, single submitter. Criteria: Invitae Variant Classification Sherloc (09022015). Collection method: clinical testing. Allele origin: germline.
Comment: This sequence change replaces histidine, which is basic and polar, with asparagine, which is neutral and polar, at codon 513 of the WDR19 protein (p.His513Asn). This variant is not present in population databases (gnomAD no frequency). This variant has not been reported in the literature in individuals affected with WDR19-related conditions. Algorithms developed to predict the effect of missense changes on protein structure and function are either unavailable or do not agree on the potential impact of this missense change (SIFT: "Deleterious"; PolyPhen-2: "Possibly Damaging"; Align-GVGD: "Class C15"). In summary, the available evidence is currently insufficient to determine the role of this variant in disease. Therefore, it has been classified as a Variant of Uncertain Significance.

Blueprint Genetics
Classification: Uncertain significance. Last evaluated: 2018-12-12. Review status: criteria provided, single submitter. Criteria: ACMG Guidelines, 2015. Collection method: clinical testing. Allele origin: germline.